The following is an entry in ClinVar:

NM_001379659.1(ZNF142):c.3755del (p.Gly1252fs)

Gene: ZNF142 (zinc finger protein 142; minus strand). Cytogenetic location: 2q35.
Variant type: Deletion.
Coding change: c.3755del on transcript NM_001379659.1 (MANE Select); coding-DNA position 3755, one base deleted (G; older notation c.3755delG).
Protein change: p.Gly1252fs; shifts the reading frame from glycine 1252.
Molecular consequence: frameshift variant.
Genome position (GRCh38, 1-based): chr2:218,643,361, C deleted on the plus strand (G on the coding strand, the reverse complement: ZNF142 is on the minus strand); the first of 7 consecutive C bases (chr2:218,643,361-218,643,367); deleting any one gives the same sequence. VCF-style (leftmost placement, unchanged base first): chr2-218643360-TC-T. GRCh37 (hg19) VCF-style: chr2-219508083-TC-T.
Other names: c.3149delG, p.Gly1052Aspfs (NM_001105537.5, NM_001366291.3); c.2660delG, p.Gly889Aspfs (NM_001366287.3, NM_001366288.3, NM_001366289.3); c.3755del, p.Gly1252fs (NM_001366290.3, NM_001379660.1, NM_001379661.1); c.3155del, p.Gly1052fs (NM_001379662.1); short protein forms G1052fs, G1252fs, G889fs.
Identifiers: ClinVar variation 2582485 (VCV002582485.19), dbSNP rs751589999, ClinGen allele CA2108928.
Genomic context (GRCh38, chr2:218,643,360, plus strand): 5'-GCTCAACGGGGACACATCAGGCTGGGTCTGGGGGGTCCCTCGTTTTCCTCCCCCGCCACG[TC>T]CCCCCCTGCAGCCTTCAGCCACGTGAGAGGTAATAGAGGAGAGCCGGGAACAAAGGAATG-3'

ClinVar aggregate classification (germline): Pathogenic/Likely pathogenic. Review status: criteria provided, multiple submitters, no conflicts (2 of 4 stars). 2 submissions from 2 submitters: Pathogenic (1); Likely pathogenic (1). Last evaluated 2024-06-01.

Conditions:
Neurodevelopmental disorder with impaired speech and hyperkinetic movements. Identifiers: MedGen C5193088, MONDO:0032741, OMIM 618425.

Submissions (2):

CeGaT Center for Human Genetics Tuebingen
Classification: Pathogenic. Last evaluated: 2024-06-01. Review status: criteria provided, single submitter. Criteria: CeGaT Center For Human Genetics Tuebingen Variant Classification Criteria Version 2. Collection method: clinical testing. Allele origin: germline. Affected: yes. Observed: 1 variant allele.
Comment: ZNF142: PVS1, PM2

Baylor Genetics
Classification: Likely pathogenic for Neurodevelopmental disorder with impaired speech and hyperkinetic movements. Last evaluated: 2023-05-31. Review status: criteria provided, single submitter. Criteria: ACMG Guidelines, 2015. Collection method: clinical testing. Allele origin: unknown.